The following is an entry in ClinVar:

NM_000545.8(HNF1A):c.639C>G (p.Ile213Met)

Gene: HNF1A (HNF1 homeobox A; plus strand). Cytogenetic location: 12q24.31.
Variant type: single nucleotide variant.
Coding change: c.639C>G on transcript NM_000545.8 (MANE Select); coding-DNA position 639, C replaced by G.
Protein change: p.Ile213Met; replaces isoleucine 213 with methionine.
Molecular consequence: missense variant.
Genome position (GRCh38, 1-based): chr12:120,993,632, C>G. VCF-style: chr12-120993632-C-G. GRCh37 (hg19) VCF-style: chr12-121431435-C-G.
Other names: NM_001306179.2:c.639C>G; c.639C>G, p.Ile213Met (NM_001306179.2); short protein forms I213M.
Identifiers: ClinVar variation 918062 (VCV000918062.2), dbSNP rs768753432, ClinGen allele CA386964670.

ClinVar aggregate classification (germline): Uncertain significance. Review status: reviewed by expert panel (3 of 4 stars). 2 submissions from 2 submitters: Uncertain significance (1). 1 of the submissions does not count toward it. Last evaluated 2026-10-26.

Conditions:
Monogenic diabetes. Identifiers: Orphanet 183625, MedGen C3888631, MONDO:0015967.
Diabetes mellitus. Also called: Diabetes mellitus (disease). Identifiers: MedGen C0011849, MONDO:0005015, HP:0000819.

Submissions (2):

ClinGen Monogenic Diabetes Variant Curation Expert Panel
Classification: Uncertain significance for Monogenic diabetes. Last evaluated: 2026-10-26. Review status: reviewed by expert panel. Criteria: ClinGen Diabetes ACMG Specifications HNF1A V3.1.0. Collection method: curation. Allele origin: germline. Inheritance: Autosomal dominant inheritance.
Comment: The c.639C>G variant in the HNF1 homeobox A gene, HNF1A, causes an amino acid change of Ile to Met at codon 213 (p.(Ile213Met)) of transcript NM_000545.8. This variant is located within a conserved region of the DNA binding domain (codons 107-174 and 201-280) of HNF1A, which is defined as critical for the protein’s function by the ClinGen MDEP (PM1_Supporting). This variant is absent from gnomAD v4.1.2 (PM2_Supporting) and is predicted to be deleterious by computational evidence, with a REVEL score of 0.808, which is greater than the MDEP VCEP threshold of 0.70 (PP3). This variant segregated with diabetes with two informative meioses in a single family; however, this does not meet the thresholds for PP1 set by the ClinGen MDEP (PMID: 33538814, ClinVar Variation ID: 918062). This variant was identified in an individual with diabetes; however, the MODY probability is unable to be calculated due to lack of clinical information (PMID: 33538814). Another missense variant at the same residue, c.637A>T (p.Ile213Phe), has been classified as likely pathogenic by the ClinGen MDEP (PM5_Supporting). In summary, c.639C>G meets the criteria to be classified as a variant of uncertain significance for monogenic diabetes. ACMG/AMP criteria applied, as specified by the ClinGen MDEP (specification version 3.1.0, approved 10/10/2025): PM1_Supporting, PM2_Supporting, PM5_Supporting, PP3.

Constantin Polychronakos Laboratory, The Research Institute of the McGill University Health Centre
Classification: Likely pathogenic for Diabetes mellitus. Review status: no assertion criteria provided. Collection method: research. Allele origin: maternal, germline. Inheritance: Autosomal dominant inheritance. Affected: yes. Study: T1DGC. Not counted in ClinVar's aggregate classification.
Comment: PM1 PM2 PM5 PP3

Literature cited by the submitters: PubMed 33538814 (cited by ClinGen Monogenic Diabetes Variant Curation Expert Panel).